The following is an entry in ClinVar:

NM_000268.4(NF2):c.1193T>C (p.Leu398Pro)

Gene: NF2 (NF2, moesin-ezrin-radixin like (MERLIN) tumor suppressor; plus strand). Cytogenetic location: 22q12.2.
Variant type: single nucleotide variant.
Coding change: c.1193T>C on transcript NM_000268.4 (MANE Select); coding-DNA position 1193, T replaced by C.
Protein change: p.Leu398Pro; replaces leucine 398 with proline.
Molecular consequence: missense variant. On other transcripts: non-coding transcript variant (1), intron variant (1).
Genome position (GRCh38, 1-based): chr22:29,673,339, T>C. VCF-style: chr22-29673339-T-C. GRCh37 (hg19) VCF-style: chr22-30069328-T-C.
Other names: c.1193T>C, p.Leu398Pro (NM_016418.5, NM_181825.3, NM_181832.3); c.1067T>C, p.Leu356Pro (NM_181828.3); c.1070T>C, p.Leu357Pro (NM_181829.3); c.944T>C, p.Leu315Pro (NM_181830.3, NM_181831.3); c.448-21413T>C (NM_181833.3); short protein forms L315P, L356P, L357P, L398P.
Identifiers: ClinVar variation 1527964 (VCV001527964.8), dbSNP rs2147082680, ClinGen allele CA411148115.
Genomic context (GRCh38, chr22:29,673,339, plus strand): 5'-AGGAGACAGCTGACCTGTTGGCTGAAAAGGCCCAGATCACCGAGGAGGAGGCAAAACTTC[T>C]GGCCCAGAAGGCCGCAGAGGCTGAGCAGGAAATGCAGCGCATCAAGGCCACAGCGATTCG-3'
Protein context (NP_000259.1, residues 388-408): AQITEEEAKL[Leu398Pro]AQKAAEAEQE

ClinVar aggregate classification (germline): Conflicting classifications of pathogenicity. Review status: criteria provided, conflicting classifications (1 of 4 stars). 5 submissions from 5 submitters: Pathogenic (2); Likely pathogenic (2); Uncertain significance (1). Last evaluated 2025-03-19.

Conditions:
Neurofibromatosis, type 2 (SWNV). Also called: BILATERAL ACOUSTIC NEUROFIBROMATOSIS; SCHWANNOMATOSIS, VESTIBULAR; NF2-Related Schwannomatosis. Identifiers: Orphanet 637, MedGen C0027832, MONDO:0007039, OMIM 101000. Disease mechanism: loss of function.
NF2-related disorder. Also called: NF2-related condition.
Hereditary cancer-predisposing syndrome. Also called: Tumor predisposition; Neoplastic Syndromes, Hereditary; Hereditary Cancer Syndrome; Hereditary neoplastic syndrome. Identifiers: Orphanet 140162, MedGen C0027672, MeSH D009386, MONDO:0015356.

Allele frequency attached by ClinVar (database versions not stated): gnomAD exomes below 0.00001.
gnomAD v4.1: 1 of 1,603,494 alleles (0.000062%); highest among the groups gnomAD compares: Non-Finnish European, 0.000085%; no homozygotes.

Submissions (5):

Labcorp Genetics (formerly Invitae), Labcorp
Classification: Uncertain significance for Neurofibromatosis, type 2. Last evaluated: 2025-03-19. Review status: criteria provided, single submitter. Criteria: Invitae Variant Classification Sherloc (09022015). Collection method: clinical testing. Allele origin: germline.
Comment: This sequence change replaces leucine, which is neutral and non-polar, with proline, which is neutral and non-polar, at codon 398 of the NF2 protein (p.Leu398Pro). This variant is not present in population databases (gnomAD no frequency). This missense change has been observed in individuals with clinical features of NF2-related schwannomatosis (PMID: 25931164; internal data). ClinVar contains an entry for this variant (Variation ID: 1527964). Invitae Evidence Modeling of protein sequence and biophysical properties (such as structural, functional, and spatial information, amino acid conservation, physicochemical variation, residue mobility, and thermodynamic stability) indicates that this missense variant is expected to disrupt NF2 protein function with a positive predictive value of 80%. In summary, the available evidence is currently insufficient to determine the role of this variant in disease. Therefore, it has been classified as a Variant of Uncertain Significance.

Ambry Genetics
Classification: Pathogenic for Hereditary cancer-predisposing syndrome. Last evaluated: 2023-10-11. Review status: criteria provided, single submitter. Criteria: Ambry Variant Classification Scheme 2023. Collection method: clinical testing. Allele origin: germline.
Comment: The p.L398P pathogenic mutation (also known as c.1193T>C), located in coding exon 12 of the NF2 gene, results from a T to C substitution at nucleotide position 1193. The leucine at codon 398 is replaced by proline, an amino acid with similar properties. This mutation was detected in multiple unrelated individuals with clinical features of NF2-related schwannomatosis and co-segregated with disease in a large family (Heineman TE et al. Otol Neurotol, 2015 Jun;36:908-14; external communications). This amino acid position is highly conserved in available vertebrate species. In addition, this alteration is predicted to be deleterious by in silico analysis. This variant is considered to be rare based on population cohorts in the Genome Aggregation Database (gnomAD). Based on the supporting evidence, this alteration is interpreted as a disease-causing mutation.

Provincial Medical Genetics Program of British Columbia, University of British Columbia
Classification: Likely pathogenic for Neurofibromatosis, type 2. Last evaluated: 2022-01-01. Review status: criteria provided, single submitter. Criteria: ACMG Guidelines, 2015. Collection method: clinical testing. Allele origin: paternal. Affected: yes.

Genetics and Molecular Pathology, SA Pathology
Classification: Pathogenic for Neurofibromatosis, type 2. Last evaluated: 2021-08-19. Review status: criteria provided, single submitter. Criteria: ACMG Guidelines, 2015. Collection method: clinical testing. Allele origin: germline. Inheritance: Autosomal dominant inheritance. Affected: yes.

Blueprint Genetics
Classification: Likely pathogenic for NF2-related disorders. Last evaluated: 2018-09-27. Review status: criteria provided, single submitter. Criteria: ACMG Guidelines, 2015. Collection method: clinical testing. Allele origin: germline. Affected: yes. Observed: 1 variant allele.

Literature cited by the submitters: PubMed 25931164 (cited by Labcorp Genetics (formerly Invitae), Labcorp and Ambry Genetics).